The following is an entry in ClinVar:

NM_001943.5(DSG2):c.2276G>C (p.Gly759Ala)

Genes: DSG2 (desmoglein 2; plus strand), DSG2-AS1 (DSG2 antisense RNA 1; minus strand). Cytogenetic location: 18q12.1.
Variant type: single nucleotide variant.
Coding change: c.2276G>C on transcript NM_001943.5 (MANE Select); coding-DNA position 2276, G replaced by C.
Protein change: p.Gly759Ala; replaces glycine 759 with alanine.
Molecular consequence: missense variant.
Genome position (GRCh38, 1-based): chr18:31,542,794, G>C. VCF-style: chr18-31542794-G-C. GRCh37 (hg19) VCF-style: chr18-29122757-G-C.
Other names: short protein forms G759A.
Identifiers: ClinVar variation 925191 (VCV000925191.8), dbSNP rs2073277829, ClinGen allele CA402142930.

ClinVar aggregate classification (germline): Uncertain significance. Review status: criteria provided, multiple submitters, no conflicts (2 of 4 stars). 2 submissions from 2 submitters: Uncertain significance (2). Last evaluated 2023-12-05.

Conditions:
Arrhythmogenic right ventricular dysplasia 10. Also called: ARRHYTHMOGENIC RIGHT VENTRICULAR DYSPLASIA, FAMILIAL, 10; Arrhythmogenic right ventricular dysplasia/cardiomyopathy, type 10; Arrhythmogenic Right Ventricular Dysplasia/Cardiomyopathy10. Identifiers: MedGen C1857777, MONDO:0012434, OMIM 610193.
Cardiomyopathy (CMYO). Also called: Cardiomyopathies. Identifiers: Orphanet 167848, MedGen C0878544, MONDO:0004994, HP:0001638. Inheritance: Various modes of inheritance.

gnomAD v4.1: 1 of 1,603,266 alleles (0.000062%); no homozygotes.

Submissions (2):

Color Diagnostics, LLC DBA Color Health
Classification: Uncertain significance for Cardiomyopathy. Last evaluated: 2023-12-05. Review status: criteria provided, single submitter. Criteria: ACMG Guidelines, 2015. Collection method: clinical testing. Allele origin: germline.
Comment: Variant of Uncertain Significance due to insufficient evidence: This missense variant is located in the cytoplasmic domain of the DSG2 protein. Computational prediction tools and conservation analyses are inconclusive regarding the impact of this variant on the protein function. Computational splicing tools suggest that this variant may not impact RNA splicing. To our knowledge, functional assays have not been performed for this variant nor has this variant been reported in individuals affected with cardiovascular disorders in the literature. This variant is rare in the general population and has been identified in 0/277264 chromosomes by the Genome Aggregation Database (gnomAD). Available evidence is insufficient to determine the role of this variant in disease conclusively.

Labcorp Genetics (formerly Invitae), Labcorp
Classification: Uncertain significance for Arrhythmogenic right ventricular dysplasia 10. Last evaluated: 2023-07-25. Review status: criteria provided, single submitter. Criteria: Invitae Variant Classification Sherloc (09022015). Collection method: clinical testing. Allele origin: germline.
Comment: ClinVar contains an entry for this variant (Variation ID: 925191). Advanced modeling of protein sequence and biophysical properties (such as structural, functional, and spatial information, amino acid conservation, physicochemical variation, residue mobility, and thermodynamic stability) performed at Invitae indicates that this missense variant is not expected to disrupt DSG2 protein function. In summary, the available evidence is currently insufficient to determine the role of this variant in disease. Therefore, it has been classified as a Variant of Uncertain Significance. This variant has not been reported in the literature in individuals affected with DSG2-related conditions. This sequence change replaces glycine, which is neutral and non-polar, with alanine, which is neutral and non-polar, at codon 759 of the DSG2 protein (p.Gly759Ala). This variant is not present in population databases (gnomAD no frequency).